The following is an entry in ClinVar:

ClinVar aggregate classification (germline): Conflicting classifications of pathogenicity. Review status: criteria provided, conflicting classifications (1 of 4 stars). 4 submissions from 4 submitters: Likely pathogenic (3); Uncertain significance (1). Last evaluated 2025-08-01.

Conditions:
Karyomegalic interstitial nephritis. Identifiers: Orphanet 401996, MedGen C3553774, MONDO:0013898, OMIM 614817.
FAN1-related disorder. Also called: FAN1-related condition.

Allele frequency attached by ClinVar (database versions not stated): ExAC 0.00006; TOPMed 0.00008; gnomAD 0.00009; gnomAD exomes 0.00011; 1000 Genomes Project 0.00020; 1000 Genomes Project 30x 0.00031.
gnomAD v4.1: 177 of 1,612,774 alleles (0.011%); highest among the groups gnomAD compares: Middle Eastern, 0.017%; no homozygotes.

Submissions (4):

PreventionGenetics, part of Exact Sciences
Classification: Likely pathogenic for FAN1-related condition. Last evaluated: 2025-08-01. Review status: criteria provided, single submitter. Criteria: ACMG Guidelines, 2015. Collection method: clinical testing. Allele origin: germline.
Comment: The FAN1 c.2854C>T variant is predicted to result in premature protein termination (p.Arg952*). This variant has been reported in a family with colorectal cancer and MMR-proficient Amsterdam positive (Seguí et al 2015. PubMed ID: 26052075). To our knowledge, this variant has not been reported in patients with karyomegalic interstitial nephritis. This variant is reported in 0.012% of alleles in individuals of European (Non-Finnish) descent in gnomAD and has conflicting interpretations of likely pathogenic and uncertain in ClinVar (Variation ID: 2441339). Nonsense variants in FAN1 are expected to be pathogenic. This variant is interpreted as likely pathogenic.

Fulgent Genetics
Classification: Likely pathogenic for Karyomegalic interstitial nephritis. Last evaluated: 2024-05-11. Review status: criteria provided, single submitter. Criteria: ACMG Guidelines, 2015. Collection method: clinical testing. Allele origin: germline.

Laboratorio de Genetica e Diagnostico Molecular, Hospital Israelita Albert Einstein
Classification: Likely pathogenic for Karyomegalic interstitial nephritis. Last evaluated: 2023-12-11. Review status: criteria provided, single submitter. Criteria: ACMG Guidelines, 2015. Collection method: clinical testing. Allele origin: germline. Affected: yes.
Comment: ACMG classification criteria: PVS1 very strong, PM2 supporting

Revvity Omics, Revvity
Classification: Uncertain significance for Karyomegalic interstitial nephritis. Last evaluated: 2021-04-08. Review status: criteria provided, single submitter. Criteria: ACMG Guidelines, 2015. Collection method: clinical testing. Allele origin: germline.

NM_014967.5(FAN1):c.2854C>T (p.Arg952Ter)

Genes: FAN1 (FANCD2 and FANCI associated nuclease 1; plus strand), MTMR10 (myotubularin related protein 10; minus strand). Cytogenetic location: 15q13.3.
Variant type: single nucleotide variant.
Coding change: c.2854C>T on transcript NM_014967.5 (MANE Select); coding-DNA position 2854, C replaced by T.
Protein change: p.Arg952Ter; replaces arginine 952 with a stop codon.
Molecular consequence: nonsense.
Genome position (GRCh38, 1-based): chr15:30,930,609, C>T. VCF-style: chr15-30930609-C-T. GRCh37 (hg19) VCF-style: chr15-31222812-C-T.
Other names: c.2854C>T (NM_014967.4); short protein forms R952*.
Identifiers: ClinVar variation 2441339 (VCV002441339.6), dbSNP rs184745027, ClinGen allele CA7450798.